The following is an entry in ClinVar:

ClinVar aggregate classification (germline): Benign/Likely benign. Review status: criteria provided, multiple submitters, no conflicts (2 of 4 stars). 4 submissions from 4 submitters: Benign (1); Likely benign (2). 1 of the submissions does not count toward it. Last evaluated 2025-06-12.

Conditions:
BFSP1-related disorder. Also called: BFSP1-related condition.
Cataract 33. Also called: CATARACT 33, CORTICAL. Identifiers: Orphanet 91492, MedGen C3808107, MONDO:0012665, OMIM 611391.

Allele frequency attached by ClinVar (database versions not stated): gnomAD exomes 0.00028 and 0.00066; ExAC 0.00068; 1000 Genomes Project 0.00180; 1000 Genomes Project 30x 0.00187; gnomAD 0.00251 and 0.00275; ESP Exome Variant Server 0.00277; TOPMed 0.00290.

Submissions (4):

Labcorp Genetics (formerly Invitae), Labcorp
Classification: Likely benign for Cataract 33. Last evaluated: 2025-06-12. Review status: criteria provided, single submitter. Criteria: Invitae Variant Classification Sherloc (09022015). Collection method: clinical testing. Allele origin: germline.

CeGaT Center for Human Genetics Tuebingen
Classification: Benign. Last evaluated: 2025-05-01. Review status: criteria provided, single submitter. Criteria: CeGaT Center For Human Genetics Tuebingen Variant Classification Criteria Version 2. Collection method: clinical testing. Allele origin: germline. Affected: yes. Observed: 1 variant allele.
Comment: BFSP1: BS1, BS2

Breakthrough Genomics
Classification: Likely benign. Review status: criteria provided, single submitter. Criteria: ACMG Guidelines, 2015. Collection method: not provided. Allele origin: germline. Inheritance: Autosomal recessive inheritance. Affected: yes.

PreventionGenetics, part of Exact Sciences
Classification: Likely benign for BFSP1-related condition. Last evaluated: 2019-07-12. Review status: no assertion criteria provided. Collection method: clinical testing. Allele origin: germline. Not counted in ClinVar's aggregate classification.
Comment: This variant is classified as likely benign based on ACMG/AMP sequence variant interpretation guidelines (Richards et al. 2015 PMID: 25741868, with internal and published modifications).

NM_001195.5(BFSP1):c.418A>G (p.Met140Val)

Gene: BFSP1 (beaded filament structural protein 1; minus strand). Cytogenetic location: 20p12.1.
Variant type: single nucleotide variant.
Coding change: c.418A>G on transcript NM_001195.5 (MANE Select); coding-DNA position 418, A replaced by G.
Protein change: p.Met140Val; replaces methionine 140 with valine.
Molecular consequence: missense variant. On other transcripts: initiator codon variant (2).
Genome position (GRCh38, 1-based): chr20:17,524,868, T>C on the plus strand (A>G on the coding strand, the complement: BFSP1 is on the minus strand). VCF-style: chr20-17524868-T-C. GRCh37 (hg19) VCF-style: chr20-17505513-T-C.
Other names: c.1A>G (NM_001278608.1); c.43A>G, p.Met15Val (NM_001161705.2); c.1A>G, p.Met1Val (NM_001278606.2, NM_001278608.2); c.85A>G, p.Met29Val (NM_001278607.2); short protein forms M140V, M29V, M15V, M1V.
Identifiers: ClinVar variation 701924 (VCV000701924.25), dbSNP rs142092768, ClinGen allele CA9772356.